The following is an entry in ClinVar:

ClinVar aggregate classification (germline): Uncertain significance (1 of 4 stars; one submission).

Conditions:
Hypertrophic cardiomyopathy. Also called: HYPERTROPHIC MYOCARDIOPATHY. Identifiers: Orphanet 217569, MedGen C0007194, MeSH D002312, MONDO:0005045, HP:0001639.

Submission:

Labcorp Genetics (formerly Invitae), Labcorp
Classification: Uncertain significance for Hypertrophic cardiomyopathy. Last evaluated: 2022-06-04. Review status: criteria provided, single submitter. Criteria: Invitae Variant Classification Sherloc (09022015). Collection method: clinical testing. Allele origin: germline.
Comment: ClinVar contains an entry for this variant (Variation ID: 954566). In summary, the available evidence is currently insufficient to determine the role of this variant in disease. Therefore, it has been classified as a Variant of Uncertain Significance. Algorithms developed to predict the effect of missense changes on protein structure and function are either unavailable or do not agree on the potential impact of this missense change (SIFT: "Deleterious"; PolyPhen-2: "Probably Damaging"; Align-GVGD: "Class C0"). This variant has not been reported in the literature in individuals affected with MYH7-related conditions. This variant is not present in population databases (gnomAD no frequency). This sequence change replaces lysine, which is basic and polar, with arginine, which is basic and polar, at codon 1814 of the MYH7 protein (p.Lys1814Arg).

NM_000257.4(MYH7):c.5441A>G (p.Lys1814Arg)

Gene: MYH7 (myosin heavy chain 7; minus strand). Cytogenetic location: 14q11.2.
Variant type: single nucleotide variant.
Coding change: c.5441A>G on transcript NM_000257.4 (MANE Select); coding-DNA position 5441, A replaced by G.
Protein change: p.Lys1814Arg; replaces lysine 1814 with arginine.
Molecular consequence: missense variant.
Genome position (GRCh38, 1-based): chr14:23,415,113, T>C on the plus strand (A>G on the coding strand, the complement: MYH7 is on the minus strand). VCF-style: chr14-23415113-T-C. GRCh37 (hg19) VCF-style: chr14-23884322-T-C.
Other names: short protein forms K1814R.
Identifiers: ClinVar variation 954566 (VCV000954566.7), dbSNP rs1892132855, ClinGen allele CA389035380.